The following is an entry in ClinVar:

ClinVar aggregate classification (germline): Uncertain significance (0 of 4 stars; one submission).

Conditions:
LEPR-related disorder. Also called: LEPR-related condition; LEPR-related disorders.

Allele frequency attached by ClinVar (database versions not stated): gnomAD exomes below 0.00001; TOPMed below 0.00001; ExAC 0.00001; gnomAD 0.00001.
gnomAD v4.1: 2 of 1,614,054 alleles (0.00012%); highest among the groups gnomAD compares: Non-Finnish European, 0.00017%; no homozygotes.

Submission:

PreventionGenetics, part of Exact Sciences
Classification: Uncertain significance for LEPR-related condition. Last evaluated: 2024-02-14. Review status: no assertion criteria provided. Collection method: clinical testing. Allele origin: germline.
Comment: The LEPR c.1912+5G>A variant is predicted to interfere with splicing. To our knowledge, this variant has not been reported in the literature. This variant is reported in 0.0018% of alleles in individuals of European (non-Finnish) descent in gnomAD. At this time, the clinical significance of this variant is uncertain due to the absence of conclusive functional and genetic evidence.

NM_002303.6(LEPR):c.1912+5G>A

Gene: LEPR (leptin receptor; plus strand). Cytogenetic location: 1p31.3.
Variant type: single nucleotide variant.
Coding change: c.1912+5G>A on transcript NM_002303.6 (MANE Select); 5 bases into the intron after coding-DNA position 1912, G replaced by A.
Molecular consequence: intron variant.
Genome position (GRCh38, 1-based): chr1:65,610,111, G>A. VCF-style: chr1-65610111-G-A. GRCh37 (hg19) VCF-style: chr1-66075794-G-A.
Other names: c.1912+5G>A (NM_001003679.3, NM_001003680.3, NM_001198689.2 and 2 more transcripts).
Identifiers: ClinVar variation 2634336 (VCV002634336.3), dbSNP rs754945961, ClinGen allele CA894888.
Genomic context (GRCh38, chr1:65,610,111, plus strand): 5'-GGGATATTGGAGTAATTGGAGCAATCCAGCCTACACAGTTGTCATGGATATAAAAGGTCT[G>A]CAGAGATTTTGTAAATGTGTTTTGAAAGTGCATAAGTGTGTGCTTCAAATATGGCTGAAA-3'